The following is an entry in ClinVar:

NM_001151.4(SLC25A4):c.389T>G (p.Phe130Cys)

Gene: SLC25A4 (solute carrier family 25 member 4; plus strand). Cytogenetic location: 4q35.1.
Variant type: single nucleotide variant.
Coding change: c.389T>G on transcript NM_001151.4 (MANE Select); coding-DNA position 389, T replaced by G.
Protein change: p.Phe130Cys; replaces phenylalanine 130 with cysteine.
Molecular consequence: missense variant.
Genome position (GRCh38, 1-based): chr4:185,145,041, T>G. VCF-style: chr4-185145041-T-G. GRCh37 (hg19) VCF-style: chr4-186066195-T-G.
Other names: short protein forms F130C.
Identifiers: ClinVar variation 2728118 (VCV002728118.3), dbSNP rs2477169235, ClinGen allele CA358896518.

ClinVar aggregate classification (germline): Uncertain significance (1 of 4 stars; one submission).

Submission:

Labcorp Genetics (formerly Invitae), Labcorp
Classification: Uncertain significance. Last evaluated: 2023-10-05. Review status: criteria provided, single submitter. Criteria: Invitae Variant Classification Sherloc (09022015). Collection method: clinical testing. Allele origin: germline.
Comment: This sequence change replaces phenylalanine, which is neutral and non-polar, with cysteine, which is neutral and slightly polar, at codon 130 of the SLC25A4 protein (p.Phe130Cys). This variant is not present in population databases (gnomAD no frequency). This variant has not been reported in the literature in individuals affected with SLC25A4-related conditions. Advanced modeling of protein sequence and biophysical properties (such as structural, functional, and spatial information, amino acid conservation, physicochemical variation, residue mobility, and thermodynamic stability) performed at Invitae indicates that this missense variant is expected to disrupt SLC25A4 protein function. In summary, the available evidence is currently insufficient to determine the role of this variant in disease. Therefore, it has been classified as a Variant of Uncertain Significance.